The following is an entry in ClinVar:

NM_014014.5(SNRNP200):c.2593G>A (p.Gly865Ser)

Gene: SNRNP200 (small nuclear ribonucleoprotein U5 subunit 200; minus strand). Cytogenetic location: 2q11.2.
Variant type: single nucleotide variant.
Coding change: c.2593G>A on transcript NM_014014.5 (MANE Select); coding-DNA position 2593, G replaced by A.
Protein change: p.Gly865Ser; replaces glycine 865 with serine.
Molecular consequence: missense variant.
Genome position (GRCh38, 1-based): chr2:96,290,475, C>T on the plus strand (G>A on the coding strand, the complement: SNRNP200 is on the minus strand). VCF-style: chr2-96290475-C-T. GRCh37 (hg19) VCF-style: chr2-96956213-C-T.
Other names: short protein forms G865S.
Identifiers: ClinVar variation 191118 (VCV000191118.5), dbSNP rs786205529, ClinGen allele CA236057.

ClinVar aggregate classification (germline): Conflicting classifications of pathogenicity. Review status: criteria provided, conflicting classifications (1 of 4 stars). 5 submissions from 5 submitters: Likely pathogenic (2); Uncertain significance (2). 1 of the submissions does not count toward it. Last evaluated 2024-11-11.

Conditions:
SNRNP200-related disorder. Also called: SNRNP200-related condition.
Autosomal dominant retinitis pigmentosa. Identifiers: MedGen C0339525.
Retinal dystrophy. Also called: Inherited retinal dystrophy. Identifiers: Orphanet 71862, MedGen C0854723, MeSH D058499, MONDO:0019118, HP:0000556.
Retinitis pigmentosa 33 (RP33). Identifiers: Orphanet 791, MedGen C1835895, MONDO:0012477, OMIM 610359.

Submissions (5):

3billion
Classification: Uncertain significance for Retinitis pigmentosa 33. Last evaluated: 2024-11-11. Review status: criteria provided, single submitter. Criteria: ACMG Guidelines, 2015. Collection method: clinical testing. Allele origin: germline. Affected: yes.
Comment: The variant is not observed in the gnomAD v4.1.0 dataset. Predicted Consequence/Location: Missense variant. Missense changes are a common disease-causing mechanism. In silico tool predictions suggest damaging effect of the variant on gene or gene product [REVEL: 0.97 (>=0.6, sensitivity 0.68 and specificity 0.92)]. The same nucleotide change resulting in the same amino acid change has been previously reported to be associated with SNRNP200-related disorder (ClinVar ID: VCV000191118 /PMID: 26355662). However, the evidence of pathogenicity is insufficient at this time. Therefore, this variant is classified as VUS according to the recommendation of ACMG/AMP guideline.

Dept Of Ophthalmology, Nagoya University
Classification: Uncertain significance for Retinal dystrophy. Last evaluated: 2023-10-01. Review status: criteria provided, single submitter. Criteria: Submitter's publication. Collection method: research. Allele origin: germline. Affected: yes.

Blueprint Genetics
Classification: Likely pathogenic for SNRNP200-related disorders. Last evaluated: 2023-02-27. Review status: criteria provided, single submitter. Criteria: ACMG Guidelines, 2015. Collection method: clinical testing. Allele origin: germline. Affected: yes. Observed: 2 variant alleles.

Genomic Medicine Center of Excellence, King Faisal Specialist Hospital and Research Centre
Classification: Likely pathogenic. Review status: criteria provided, single submitter. Criteria: ACMG Guidelines, 2015. Collection method: research. Allele origin: germline. Affected: yes.

Faculty of Health Sciences, Beirut Arab University
Classification: Pathogenic for Autosomal dominant Retinitis Pigmentosa. Last evaluated: 2015-09-10. Review status: no assertion criteria provided. Collection method: literature only. Allele origin: germline. Affected: yes. Observed: 1 variant allele. Not counted in ClinVar's aggregate classification.

Literature cited by the submitters: PubMed 26355662 (cited by 3billion and Faculty of Health Sciences, Beirut Arab University).